The following is an entry in ClinVar:

ClinVar aggregate classification (germline): Benign. Review status: criteria provided, multiple submitters, no conflicts (2 of 4 stars). 6 submissions from 6 submitters: Benign (6). Last evaluated 2026-02-04.

Conditions:
Multiple gastrointestinal atresias. Also called: FAMILIAL INTESTINAL POLYATRESIA SYNDROME; Multiple intestinal atresia. Identifiers: Orphanet 2300, MedGen C0220744, MONDO:0009465.

Allele frequency attached by ClinVar (database versions not stated): gnomAD exomes 0.12493 and 0.13004; ExAC 0.13646; 1000 Genomes Project 0.14497; 1000 Genomes Project 30x 0.14991; gnomAD 0.17100 and 0.17668; TOPMed 0.17698; ESP Exome Variant Server 0.18176.
gnomAD v4.1: 208,874 of 1,613,518 alleles (13%); highest among the groups gnomAD compares: African/African-American, 29%; 15,110 homozygotes.

Submissions (6):

Labcorp Genetics (formerly Invitae), Labcorp
Classification: Benign for Multiple gastrointestinal atresias. Last evaluated: 2026-02-04. Review status: criteria provided, single submitter. Criteria: Invitae Variant Classification Sherloc (09022015). Collection method: clinical testing. Allele origin: germline.

Blueprint Genetics
Classification: Benign. Last evaluated: 2024-11-26. Review status: criteria provided, single submitter. Criteria: ACMG Guidelines, 2015. Collection method: clinical testing. Allele origin: germline.

Unidad de Genómica Garrahan, Hospital de Pediatría Garrahan
Classification: Benign. Last evaluated: 2024-01-24. Review status: criteria provided, single submitter. Criteria: ACMG Guidelines, 2015. Collection method: clinical testing. Allele origin: germline. Affected: no. Observed: 26 variant alleles.
Comment: This variant is classified as Benign based on local population frequency. This variant was detected in 27% of patients studied by a panel of primary immunodeficiencies. Number of patients: 26. Only high quality variants are reported.

GeneDx
Classification: Benign. Last evaluated: 2018-07-09. Review status: criteria provided, single submitter. Criteria: GeneDx Variant Classification Process June 2021. Collection method: clinical testing. Allele origin: germline. Affected: yes.

Laboratory for Molecular Medicine, Mass General Brigham Personalized Medicine
Classification: Benign. Last evaluated: 2016-03-29. Review status: criteria provided, single submitter. Criteria: LMM Criteria. Collection method: clinical testing. Allele origin: germline.
Comment: Variant identified in a genome or exome case(s) and assessed due to predicted null impact of the variant or pathogenic assertions in the literature or databases. Disclaimer: This variant has not undergone full assessment. The following are preliminary notes: Frequency

Breakthrough Genomics
Classification: Benign. Review status: criteria provided, single submitter. Criteria: ACMG Guidelines, 2015. Collection method: not provided. Allele origin: germline. Inheritance: Autosomal recessive inheritance. Affected: yes.

NM_020458.4(TTC7A):c.1066-13G>A

Gene: TTC7A (tetratricopeptide repeat domain 7A; plus strand). Cytogenetic location: 2p21.
Variant type: single nucleotide variant.
Coding change: c.1066-13G>A on transcript NM_020458.4 (MANE Select); 13 bases into the intron before coding-DNA position 1066, G replaced by A.
Molecular consequence: intron variant.
Genome position (GRCh38, 1-based): chr2:47,005,909, G>A. VCF-style: chr2-47005909-G-A. GRCh37 (hg19) VCF-style: chr2-47233048-G-A.
Other names: c.964-13G>A (NM_001288953.2); c.1066-13G>A (NM_001288951.2); c.4-13G>A (NM_001288955.2).
Identifiers: ClinVar variation 403573 (VCV000403573.19), dbSNP rs13407983, ClinGen allele CA1647482.
Genomic context (GRCh38, chr2:47,005,909, plus strand): 5'-TGGGGGCCCTGCGAAGACAGACACCTGCTTATCTACTCTCCTCACTCTTTCCCAAACAAT[G>A]TCCCACCCACAGGCAACTCGAGATGTGGTGCTGAGCCGGGTGCCGGAGCAGGAGGAGGAC-3'